The following is an entry in ClinVar:

ClinVar aggregate classification (germline): Pathogenic/Likely pathogenic. Review status: criteria provided, multiple submitters, no conflicts (2 of 4 stars). 5 submissions from 4 submitters: Pathogenic (1); Likely pathogenic (3). 1 of the submissions does not count toward it. Last evaluated 2026-01-21.

Conditions:
Cataract 1 multiple types. Also called: CATARACT 1, MULTIPLE TYPES, WITH OR WITHOUT MICROCORNEA; CATARACT, DUFFY-LINKED; CATARACT 1, NUCLEAR PROGRESSIVE; CATARACT 1 WITH MICROCORNEA; CATARACT 1, POSTERIOR SUBCAPSULAR, WITH MICROCORNEA; CATARACT 1, STELLATE NUCLEAR, WITH MICROCORNEA. Identifiers: Orphanet 1377, MedGen C1861828, MONDO:0007285, OMIM 116200.
Developmental cataract. Also called: Congenital cataract; Congenital cataracts; Bilateral cataracts. Identifiers: MedGen C0009691, HP:0000519.

Submissions (5):

GeneDx
Classification: Likely pathogenic. Last evaluated: 2026-01-21. Review status: criteria provided, single submitter. Criteria: GeneDx Variant Classification Process June 2021. Collection method: clinical testing. Allele origin: germline.
Comment: Published functional studies suggest a damaging effect: impaired connexin-mediated gap junction formation (PMID: 31618082); Not observed at significant frequency in large population cohorts (gnomAD); In silico analysis supports that this missense variant has a deleterious effect on protein structure/function; This variant is associated with the following publications: (PMID: 21779674, 36161833, 33923544, 31618082)

Molecular Genetics of Human Eye Development, Oxford Brookes University
Classification: Pathogenic for Cataract 1 multiple types. Last evaluated: 2025-02-18. Review status: criteria provided, single submitter. Criteria: ACMG Guidelines, 2015. Collection method: clinical testing. Allele origin: de novo. Affected: yes. Observed: 1 variant allele.
Comment: The GJA8 c.64G>A; The variant is absent in genomic databases, including gnomAD v4.1, and predicted deleterious/damaging by several in silico prediction tools including SIFT, PolyPhen and AlphaMissense. The variant has been previously reported in patients with congential cataracts (PMID: 31618082; PMID: 36161833; PMID: 33923544). The variant is classified pathogenic using PS1, PS2, PM1, PM2, PP3.

Dept. Genetics and Cancer, Menzies Institute for Medical Research, University of Tasmania
Classification: Likely pathogenic for Cataract 1 multiple types. Last evaluated: 2023-01-21. Review status: criteria provided, single submitter. Criteria: ACMG Guidelines, 2015. Collection method: curation. Allele origin: germline. Affected: yes.
Comment: Variant identified and curated during a GJA8 specific review of the literature in relation to pediatric or congenital cataract. ACMG-AMP criteria applied: PS4(Supporting), PM1(Supporting), PM2(Supporting), PM5(Supporting), PP1, PP3. Original variant report: PMID:31618082;33923544;36161833. The cataract phenotype reported for this variant is: lamellar. Gene review and curation guidelines are outlined in: DOI 10.1080/17469899.2023.2160320

Clinical Genetics Laboratory, Skane University Hospital Lund
Classification: Likely pathogenic. Last evaluated: 2022-05-27. Review status: criteria provided, single submitter. Criteria: ACMG Guidelines, 2015. Collection method: clinical testing. Allele origin: germline. Affected: yes.

Dept. Genetics and Cancer, Menzies Institute for Medical Research, University of Tasmania
Classification: Uncertain significance for Developmental cataract. Last evaluated: 2021-05-01. Review status: no assertion criteria provided. Criteria: ACMG Guidelines, 2015. Collection method: research. Allele origin: germline. Affected: yes. Not counted in ClinVar's aggregate classification.
Comment: PM2, PP3. Absent/near absent from population databases and multiple predictive tools assessing variant as damaging/pathogenic.

Literature cited by the submitters: PubMed 21779674 (cited by Molecular Genetics of Human Eye Development, Oxford Brookes University); PubMed 31618082 (cited by Dept. Genetics and Cancer, Menzies Institute for Medical Research, University of Tasmania); PubMed 33923544 (cited by Dept. Genetics and Cancer, Menzies Institute for Medical Research, University of Tasmania); PubMed 36161833 (cited by Dept. Genetics and Cancer, Menzies Institute for Medical Research, University of Tasmania).

NM_005267.5(GJA8):c.64G>A (p.Gly22Ser)

Gene: GJA8 (gap junction protein alpha 8; plus strand). Cytogenetic location: 1q21.2.
Variant type: single nucleotide variant.
Coding change: c.64G>A on transcript NM_005267.5 (MANE Select); coding-DNA position 64, G replaced by A.
Protein change: p.Gly22Ser; replaces glycine 22 with serine.
Molecular consequence: missense variant.
Genome position (GRCh38, 1-based): chr1:147,908,019, G>A. VCF-style: chr1-147908019-G-A. GRCh37 (hg19) VCF-style: chr1-147380146-G-A.
Other names: c.64G>A (NM_005267.4); short protein forms G22S.
Identifiers: ClinVar variation 1065589 (VCV001065589.7), dbSNP rs2149015335, ClinGen allele CA342222971.
Genomic context (GRCh38, chr1:147,908,019, plus strand): 5'-GGCGACTGGAGTTTCCTGGGGAACATCTTGGAGGAGGTGAATGAGCACTCCACCGTCATC[G>A]GCAGAGTCTGGCTCACCGTGCTTTTCATCTTCCGGATCCTCATCCTTGGCACGGCCGCAG-3'
Protein context (NP_005258.2, residues 12-32): EEVNEHSTVI[Gly22Ser]RVWLTVLFIF